The following is an entry in ClinVar:

NM_022051.3(EGLN1):c.544A>G (p.Asn182Asp)

Gene: EGLN1 (egl-9 family hypoxia inducible factor 1; minus strand). Cytogenetic location: 1q42.2.
Variant type: single nucleotide variant.
Coding change: c.544A>G on transcript NM_022051.3 (MANE Select); coding-DNA position 544, A replaced by G.
Protein change: p.Asn182Asp; replaces asparagine 182 with aspartic acid.
Molecular consequence: missense variant.
Genome position (GRCh38, 1-based): chr1:231,421,345, T>C on the plus strand (A>G on the coding strand, the complement: EGLN1 is on the minus strand). VCF-style: chr1-231421345-T-C. GRCh37 (hg19) VCF-style: chr1-231557091-T-C.
Other names: c.544A>G, p.Asn182Asp (NM_001377260.1, NM_001377261.1); short protein forms N182D.
Identifiers: ClinVar variation 2624649 (VCV002624649.3), dbSNP rs1191315717, ClinGen allele CA345236683.

ClinVar aggregate classification (germline): Uncertain significance (1 of 4 stars; one submission).

Submission:

Ambry Genetics
Classification: Uncertain significance. Last evaluated: 2025-10-14. Review status: criteria provided, single submitter. Criteria: Ambry Variant Classification Scheme 2023. Collection method: clinical testing. Allele origin: germline.
Comment: The p.N182D variant (also known as c.544A>G), located in coding exon 1 of the EGLN1 gene, results from an A to G substitution at nucleotide position 544. The asparagine at codon 182 is replaced by aspartic acid, an amino acid with highly similar properties. This amino acid position is conserved. In addition, this alteration is predicted to be tolerated by in silico analysis. Since supporting evidence is limited at this time, the clinical significance of this alteration remains unclear.